The following is an entry in ClinVar:

NM_001369.3(DNAH5):c.8910_8911delinsG (p.Phe2971fs)

Gene: DNAH5 (dynein axonemal heavy chain 5; minus strand). Cytogenetic location: 5p15.2.
Variant type: Indel.
Coding change: c.8910_8911delinsG on transcript NM_001369.3 (MANE Select); coding-DNA positions 8910 to 8911, AT replaced by G.
Protein change: p.Phe2971fs; shifts the reading frame from phenylalanine 2971.
Molecular consequence: frameshift variant.
Genome position (GRCh38, 1-based): chr5:13,780,869-13,780,870, AT replaced by C on the plus strand (AT replaced by G on the coding strand, the reverse complement: DNAH5 is on the minus strand). VCF-style: chr5-13780869-AT-C. GRCh37 (hg19) VCF-style: chr5-13780978-AT-C.
Other names: short protein forms F2971fs.
Identifiers: ClinVar variation 5012012 (VCV005012012.1).
Genomic context (GRCh38, chr5:13,780,869, plus strand): 5'-TTAAAGTAAAAGGTTGTCACCTCGTCAGAGTGATCTGGAAGGAAACGTAGCCAGCAATGA[AT>C]GAAGCCAACCTCGTCAGGCTCTGCTTTCCTGATCCGCCCACCCCGACCAGGAGGGCATTT-3'

ClinVar aggregate classification (germline): Pathogenic (1 of 4 stars; one submission).

Conditions:
Primary ciliary dyskinesia 3. Identifiers: Orphanet 244, MedGen C1837618, MONDO:0012085, OMIM 608644.

Submission:

Myriad Genetics, Inc.
Classification: Pathogenic for Primary ciliary dyskinesia 3. Last evaluated: 2024-05-14. Review status: criteria provided, single submitter. Criteria: Myriad Autosomal Dominant, Autosomal Recessive and X-Linked Classification Criteria (2023). Collection method: clinical testing. Allele origin: unknown.
Comment: NM_001369.2(DNAH5):c.8910_8911delATinsG(F2971Sfs*12) is expected to be pathogenic in the context of primary ciliary dyskinesia, DNAH5-related. This variant is predicted to lead to an abnormal or absent protein product due to the creation of a premature termination codon in DNAH5, a gene where loss-of-function variants are known to be pathogenic. Please note: this variant was assessed in the context of healthy population screening.